The following is an entry in ClinVar:

NM_006214.4(PHYH):c.497-1G>A

Gene: PHYH (phytanoyl-CoA 2-hydroxylase; minus strand). Cytogenetic location: 10p13.
Variant type: single nucleotide variant.
Coding change: c.497-1G>A on transcript NM_006214.4 (MANE Select); the canonical splice acceptor site of the intron before coding-DNA position 497, G replaced by A.
Molecular consequence: splice acceptor variant. On other transcripts: intron variant (1).
Genome position (GRCh38, 1-based): chr10:13,288,542, C>T on the plus strand (G>A on the coding strand, the complement: PHYH is on the minus strand). VCF-style: chr10-13288542-C-T. GRCh37 (hg19) VCF-style: chr10-13330542-C-T.
Other names: c.415-4703G>A (NM_001323083.2); c.503-1G>A (NM_001323082.2); c.197-1G>A (NM_001037537.2, NM_001323080.2); c.203-1G>A (NM_001323084.2).
Identifiers: ClinVar variation 1474610 (VCV001474610.10), dbSNP rs761927136, ClinGen allele CA5412330.

ClinVar aggregate classification (germline): Likely pathogenic. Review status: criteria provided, multiple submitters, no conflicts (2 of 4 stars). 2 submissions from 2 submitters: Likely pathogenic (2). Last evaluated 2023-07-27.

Conditions:
Refsum disease, classic. Also called: PHYH-Related Refsum Disease; HEREDOPATHIA ATACTICA POLYNEURITIFORMIS; HMSN IV; PHYTANIC ACID OXIDASE DEFICIENCY. Identifiers: Orphanet 773, MedGen C5780941, MONDO:1060256, OMIM 266500. Disease mechanism: loss of function.

Allele frequency attached by ClinVar (database versions not stated): gnomAD exomes below 0.00001; ExAC 0.00001.
gnomAD v4.1: 1 of 1,613,844 alleles (0.000062%); highest among the groups gnomAD compares: East Asian, 0.0022%; no homozygotes.

Submissions (3):

Labcorp Genetics (formerly Invitae), Labcorp
Classification: Likely pathogenic. Last evaluated: 2023-07-27. Review status: criteria provided, single submitter. Criteria: Invitae Variant Classification Sherloc (09022015). Collection method: clinical testing. Allele origin: germline.
Comment: In summary, the currently available evidence indicates that the variant is pathogenic, but additional data are needed to prove that conclusively. Therefore, this variant has been classified as Likely Pathogenic. Studies have shown that disruption of this splice site results in skipping of exon 6 and introduces a premature termination codon (PMID: 14974078). The resulting mRNA is expected to undergo nonsense-mediated decay. ClinVar contains an entry for this variant (Variation ID: 1474610). Disruption of this splice site has been observed in individual(s) with Refsum disease (PMID: 14974078). This variant is present in population databases (rs761927136, gnomAD 0.006%). This sequence change affects an acceptor splice site in intron 5 of the PHYH gene. RNA analysis indicates that disruption of this splice site induces altered splicing and may result in an absent or disrupted protein product.

Baylor Genetics
Classification: Likely pathogenic for Refsum disease, classic. Last evaluated: 2022-07-21. Review status: criteria provided, single submitter. Criteria: ACMG Guidelines, 2015. Collection method: clinical testing. Allele origin: unknown.

Dr. Peter K. Rogan Lab, Western University
No classification provided (evidence only). Condition: Hepatocellular carcinoma. Review status: no classification provided. Collection method: in vitro. Allele origin: not applicable. Functional consequence: skipped exon, retained intron. Not counted in ClinVar's aggregate classification.

Literature cited by the submitters: PubMed 14974078 (cited by Labcorp Genetics (formerly Invitae), Labcorp).